The following is an entry in ClinVar:

ClinVar aggregate classification (germline): Likely benign. Review status: criteria provided, multiple submitters, no conflicts (2 of 4 stars). 3 submissions from 3 submitters: Likely benign (3). Last evaluated 2026-02-03.

Conditions:
Developmental and epileptic encephalopathy, 9 (DEE9). Also called: JUBERG-HELLMAN SYNDROME; PCDH19-Related X-Linked Female-Limited Epilepsy with Mental Retardation; Early infantile epileptic encephalopathy 9; EPILEPSY, FEMALE-RESTRICTED, WITH MENTAL RETARDATION. Identifiers: Orphanet 101039, Orphanet 2076, MedGen C1848137, MONDO:0010246, OMIM 300088. Disease mechanism: loss of function.
Inborn genetic diseases. Identifiers: MedGen C0950123, MeSH D030342.

Allele frequency attached by ClinVar (database versions not stated): ExAC 0.00001; gnomAD 0.00005; TOPMed 0.00006; gnomAD exomes 0.00008.
gnomAD v4.1: 96 of 1,209,905 alleles (0.0079%); highest among the groups gnomAD compares: Non-Finnish European, 0.01%; no homozygotes.

Submissions (3):

Labcorp Genetics (formerly Invitae), Labcorp
Classification: Likely benign for Developmental and epileptic encephalopathy, 9. Last evaluated: 2026-02-03. Review status: criteria provided, single submitter. Criteria: Invitae Variant Classification Sherloc (09022015). Collection method: clinical testing. Allele origin: germline.

CeGaT Center for Human Genetics Tuebingen
Classification: Likely benign. Last evaluated: 2024-07-01. Review status: criteria provided, single submitter. Criteria: CeGaT Center For Human Genetics Tuebingen Variant Classification Criteria Version 2. Collection method: clinical testing. Allele origin: germline. Affected: yes. Observed: 1 variant allele.
Comment: PCDH19: BP4, BP7, BS2

Ambry Genetics
Classification: Likely benign for Inborn genetic diseases. Last evaluated: 2018-05-14. Review status: criteria provided, single submitter. Criteria: Ambry Variant Classification Scheme 2023. Collection method: clinical testing. Allele origin: germline.

NM_001184880.2(PCDH19):c.1083C>T (p.Ser361=)

Gene: PCDH19 (protocadherin 19; minus strand). Cytogenetic location: Xq22.1.
Variant type: single nucleotide variant.
Coding change: c.1083C>T on transcript NM_001184880.2 (MANE Select); coding-DNA position 1083, C replaced by T.
Protein change: p.Ser361=; no amino-acid change (serine 361 retained).
Molecular consequence: synonymous variant.
Genome position (GRCh38, 1-based): chrX:100,407,515, G>A on the plus strand (C>T on the coding strand, the complement: PCDH19 is on the minus strand). VCF-style: chrX-100407515-G-A. GRCh37 (hg19) VCF-style: chrX-99662513-G-A.
Other names: c.1083C>T, p.Ser361= (NM_001105243.2, NM_020766.3).
Identifiers: ClinVar variation 1787002 (VCV001787002.23), dbSNP rs761600343, ClinGen allele CA10468921.